The following is an entry in ClinVar:

ClinVar aggregate classification (germline): Uncertain significance (1 of 4 stars; one submission).

Conditions:
Combined oxidative phosphorylation defect type 17. Also called: Combined oxidative phosphorylation deficiency 17. Identifiers: Orphanet 369913, MedGen C3809526, MONDO:0014190, OMIM 615440.

Allele frequency attached by ClinVar (database versions not stated): 1000 Genomes Project 30x 0.00016.
gnomAD v4.1: 2 of 1,554,014 alleles (0.00013%); highest among the groups gnomAD compares: African/African-American, 0.0027%; no homozygotes.

Submission:

Labcorp Genetics (formerly Invitae), Labcorp
Classification: Uncertain significance for Combined oxidative phosphorylation defect type 17. Last evaluated: 2021-12-02. Review status: criteria provided, single submitter. Criteria: Invitae Variant Classification Sherloc (09022015). Collection method: clinical testing. Allele origin: germline.
Comment: This sequence change replaces arginine, which is basic and polar, with histidine, which is basic and polar, at codon 28 of the ELAC2 protein (p.Arg28His). This variant is not present in population databases (gnomAD no frequency). This variant has not been reported in the literature in individuals affected with ELAC2-related conditions. Algorithms developed to predict the effect of missense changes on protein structure and function are either unavailable or do not agree on the potential impact of this missense change (SIFT: "Tolerated"; PolyPhen-2: "Probably Damaging"; Align-GVGD: "Class C0"). In summary, the available evidence is currently insufficient to determine the role of this variant in disease. Therefore, it has been classified as a Variant of Uncertain Significance.

NM_018127.7(ELAC2):c.83G>A (p.Arg28His)

Gene: ELAC2 (elaC ribonuclease Z 2; minus strand). Cytogenetic location: 17p12.
Variant type: single nucleotide variant.
Coding change: c.83G>A on transcript NM_018127.7 (MANE Select); coding-DNA position 83, G replaced by A.
Protein change: p.Arg28His; replaces arginine 28 with histidine.
Molecular consequence: missense variant.
Genome position (GRCh38, 1-based): chr17:13,017,865, C>T on the plus strand (G>A on the coding strand, the complement: ELAC2 is on the minus strand). VCF-style: chr17-13017865-C-T. GRCh37 (hg19) VCF-style: chr17-12921182-C-T.
Other names: c.83G>A, p.Arg28His (NM_001165962.2, NM_173717.2); short protein forms R28H.
Identifiers: ClinVar variation 1409766 (VCV001409766.3), dbSNP rs1192697057, ClinGen allele CA398219255.